The following continues an entry in ClinVar:

NM_000256.3(MYBPC3):c.1484G>A (p.Arg495Gln)

Gene: MYBPC3. ClinVar aggregate classification (germline): Likely pathogenic. Likely pathogenic (1).

Submissions 9 to 22 of 45:

Rady Children's Institute for Genomic Medicine, Rady Children's Hospital San Diego
Classification: Pathogenic for MYBPC3-related cardiomyopathies. Last evaluated: 2025-03-27. Review status: criteria provided, single submitter. Criteria: ACMG Guidelines, 2015. Collection method: clinical testing. Allele origin: germline. Affected: yes. Not counted in ClinVar's aggregate classification.
Comment: The c.1484G>A (p.Arg495Gln) variant is a known Pathogenic variant that has been previously reported as a heterozygous change in patients with MYBPC3-related cardiomyopathies (PMID: 9562578, 27737317, 38254962, 32746448, 33407484, 36252119). The c.1484G>A (p.Arg495Gln) variant affects a highly conserved amino acid and is located in a mutational hotspot for pathogenic variations associated with MYBPC3-related cardiomyopathies (PMID: 30696458). Different amino acid changes at the same residue (p.Arg495Gly, p.Arg495Trp) have been previously reported in individuals with MYBPC3-related cardiomyopathies (PMID: 18403758, 34400558, 19150014, 39160446). The c.1484G>A (p.Arg495Gln) variant is present in the latest version of the gnomAD population database at an allele frequency of 0.002% (39/1613896), and is absent in the homozygous state. Based on the available evidence, c.1484G>A (p.Arg495Gln) is classified as Pathogenic.

Ambry Genetics
Classification: Pathogenic for Cardiovascular phenotype. Last evaluated: 2024-11-25. Review status: criteria provided, single submitter. Criteria: Ambry Variant Classification Scheme 2023. Collection method: clinical testing. Allele origin: germline. Not counted in ClinVar's aggregate classification.
Comment: The c.1484G>A (p.R495Q) alteration is located in exon 17 (coding exon 17) of the MYBPC3 gene. This alteration results from a G to A substitution at nucleotide position 1484, causing the arginine (R) at amino acid position 495 to be replaced by a glutamine (Q). Based on data from gnomAD, the A allele has an overall frequency of 0.002% (6/249188) total alleles studied. The highest observed frequency was 0.006% (1/17974) of East Asian alleles. This alteration has been reported in multiple unrelated individuals with hypertrophic cardiomyopathy (HCM) and has been reported to segregate with disease in families (Niimura, 1998; Maron, 2011; Brito, 2012; Kapplinger, 2014; Mattos, 2016). This variant has also been detected in noncompaction and dilated cardiomyopathy cohorts (van Waning, 2018; Sousa, 2019). In addition, alterations affecting the same amino acid, c.1483C>T (p.R495W) and c.1483C>G (p.R495G), have also been reported in association with HCM (Page, 2012; Garc&iacute;a-Castro, 2009). This amino acid position is highly conserved in available vertebrate species. This alteration is predicted to be deleterious by in silico analysis. Based on the available evidence, this alteration is classified as pathogenic.

Blueprint Genetics
Classification: Pathogenic for MYBPC3-related disorders. Last evaluated: 2024-11-21. Review status: criteria provided, single submitter. Criteria: ACMG Guidelines, 2015. Collection method: clinical testing. Allele origin: germline. Affected: yes. Observed: 5 variant alleles. Not counted in ClinVar's aggregate classification.

Institute of Immunology and Genetics Kaiserslautern
Classification: Pathogenic for Hypertrophic cardiomyopathy 4; Left ventricular noncompaction 10. Last evaluated: 2024-09-26. Review status: criteria provided, single submitter. Criteria: ACMG Guidelines, 2015. Collection method: clinical testing. Allele origin: germline. Affected: yes. Not counted in ClinVar's aggregate classification.
Comment: ACMG Criteria: PS3, PM1, PM2_P, PM5, PP1, PP3, PP5; Variant was found in heterozygous state.

All of Us Research Program, National Institutes of Health
Classification: Pathogenic for Hypertrophic cardiomyopathy. Last evaluated: 2024-09-16. Review status: criteria provided, single submitter. Criteria: ACMG Guidelines, 2015. Collection method: clinical testing. Allele origin: germline. Inheritance: Autosomal dominant inheritance. Observed: 11 variant alleles, 11 heterozygotes. Not counted in ClinVar's aggregate classification.
Comment: This missense variant replaces arginine with glutamine at codon 495 in the Ig-like domain C3 of the MYBPC3 protein. Computational prediction suggests that this variant may not impact protein structure and function (internally defined REVEL score threshold <= 0.5, PMID: 27666373). An experimental functional study using a transgenic pig model heterozygous for this variant has shown a phenotype of myocardial fibrosis as well as reduced MYBPC3 expression levels in cardiac fibroblasts (PMID: 36357371). This variant has been reported in over 20 unrelated individuals affected with hypertrophic cardiomyopathy (PMID: 11499718, 20019025, 22857948, 23396983, 24093860, 28024942, 28615295, 29121657, 29907873, 32746448, 35626289). This variant has been shown to segregate with hypertrophic cardiomyopathy in three different families (PMID: 9562578, 27737317, 29121657). This variant has been identified in 6/249188 chromosomes in the general population by the Genome Aggregation Database (gnomAD). Different variants occurring at the same codon, p.Arg495Gly and p.Arg495Trp, are well documented pathogenic mutations (Clinvar variation ID: 42537 and 164114), indicating that arginine at this position is important for MYBPC3 protein function. Based on the available evidence, this variant is classified as Pathogenic.

This study involves interpretation of variants in research participants for the purpose of population health screening. Participant phenotype was not available at the time of variant classification. Additional details can be found in publication PMID: 35346344, PMCID: PMC8962531

Institute of Human Genetics, Heidelberg University
Classification: Pathogenic for Hypertrophic cardiomyopathy 4. Last evaluated: 2024-08-06. Review status: criteria provided, single submitter. Criteria: ACMG Guidelines, 2015. Collection method: clinical testing. Allele origin: maternal. Affected: yes. Not counted in ClinVar's aggregate classification.

3billion
Classification: Pathogenic for Hypertrophic cardiomyopathy 4. Last evaluated: 2024-06-27. Review status: criteria provided, single submitter. Criteria: ACMG Guidelines, 2015. Collection method: clinical testing. Allele origin: germline. Affected: yes. Not counted in ClinVar's aggregate classification.
Comment: The variant is observed at an extremely low frequency in the gnomAD v4.0.0 dataset (total allele frequency: 0.002%). Predicted Consequence/Location: Missense variant The same nucleotide change resulting in the same amino acid change has been previously reported as pathogenic/likely pathogenic with strong evidence (ClinVar ID: VCV000164113 /PMID: 9562578 /3billion dataset). The variant has been observed in multiple (>3) similarly affected unrelated individuals (PMID: 24093860, 28024942, 32746448, 35626289). Different missense changes at the same codon (p.Arg495Gly, p.Arg495Leu, p.Arg495Trp) have been reported as pathogenic/likely pathogenic with strong evidence (ClinVar ID: VCV000042537, VCV000164114, VCV000915779 /PMID: 18403758, 19150014 /3billion dataset). Therefore, this variant is classified as Pathogenic according to the recommendation of ACMG/AMP guideline.

Color Diagnostics, LLC DBA Color Health
Classification: Pathogenic for Cardiomyopathy. Last evaluated: 2024-05-20. Review status: criteria provided, single submitter. Criteria: ACMG Guidelines, 2015. Collection method: clinical testing. Allele origin: germline. Not counted in ClinVar's aggregate classification.
Comment: This missense variant replaces arginine with glutamine at codon 495 in the Ig-like domain C3 of the MYBPC3 protein. Computational prediction tools indicate that this variant's impact on protein structure and function is inconclusive. An experimental functional study using a transgenic pig model heterozygous for this variant has shown a phenotype of myocardial fibrosis as well as reduced MYBPC3 expression levels in cardiac fibroblasts (PMID: 36357371). This variant has been reported in over 70 unrelated individuals affected with hypertrophic cardiomyopathy (PMID: 11499718, 20019025, 22857948, 23396983, 24093860, 27532257, 28024942, 28615295, 29121657, 29907873, 32746448, 33782553, 35626289, 38104429). This variant has been shown to segregate with hypertrophic cardiomyopathy in three different families (PMID: 9562578, 27737317, 29121657). This variant has been identified in 6/249188 chromosomes in the general population by the Genome Aggregation Database (gnomAD). Different variants occurring at the same codon, p.Arg495Gly and p.Arg495Trp, are well documented pathogenic mutations (Clinvar variation ID: 42537 and 164114), indicating that arginine at this position is important for MYBPC3 protein function. Based on the available evidence, this variant is classified as Pathogenic.

Institute of Human Genetics Munich, TUM University Hospital
Classification: Pathogenic for Left ventricular noncompaction 10. Last evaluated: 2024-04-02. Review status: criteria provided, single submitter. Criteria: Classification criteria August 2017. Collection method: clinical testing. Allele origin: germline. Inheritance: Autosomal dominant inheritance. Affected: yes. Observed: 2 variant alleles. Not counted in ClinVar's aggregate classification.

Clinical Genetics Laboratory, Skane University Hospital Lund
Classification: Pathogenic. Last evaluated: 2023-05-25. Review status: criteria provided, single submitter. Criteria: ACMG Guidelines, 2015. Collection method: clinical testing. Allele origin: germline. Affected: yes. Not counted in ClinVar's aggregate classification.

Center of Genomic medicine, Geneva, University Hospital of Geneva
Classification: Pathogenic for Hypertrophic cardiomyopathy 4. Last evaluated: 2023-03-10. Review status: criteria provided, single submitter. Criteria: ACMG Guidelines, 2015. Collection method: clinical testing. Allele origin: germline. Affected: yes. Observed: 1 variant allele. Not counted in ClinVar's aggregate classification.

Baylor Genetics
Classification: Pathogenic for Hypertrophic cardiomyopathy 4. Last evaluated: 2022-10-13. Review status: criteria provided, single submitter. Criteria: ACMG Guidelines, 2015. Collection method: clinical testing. Allele origin: unknown. Not counted in ClinVar's aggregate classification.

Baylor Genetics
Classification: Pathogenic for Left ventricular noncompaction 10. Last evaluated: 2022-10-13. Review status: criteria provided, single submitter. Criteria: ACMG Guidelines, 2015. Collection method: clinical testing. Allele origin: unknown. Not counted in ClinVar's aggregate classification.

MGZ Medical Genetics Center
Classification: Pathogenic for Hypertrophic cardiomyopathy 4. Last evaluated: 2022-05-11. Review status: criteria provided, single submitter. Criteria: ACMG Guidelines, 2015. Collection method: clinical testing. Allele origin: germline. Affected: yes. Observed: 1 variant allele. Not counted in ClinVar's aggregate classification.
Comment: ACMG criteria applied: PS4, PM1, PM5, PM2_SUP, PP1